The following is an entry in ClinVar:

NM_001853.4(COL9A3):c.738G>T (p.Arg246=)

Gene: COL9A3 (collagen type IX alpha 3 chain; plus strand). Cytogenetic location: 20q13.33.
Variant type: single nucleotide variant.
Coding change: c.738G>T on transcript NM_001853.4 (MANE Select); coding-DNA position 738, G replaced by T.
Protein change: p.Arg246=; no amino-acid change (arginine 246 retained).
Molecular consequence: synonymous variant.
Genome position (GRCh38, 1-based): chr20:62,826,257, G>T. VCF-style: chr20-62826257-G-T. GRCh37 (hg19) VCF-style: chr20-61457609-G-T.
Other names: c.738G>T (NM_001853.3).
Identifiers: ClinVar variation 2200462 (VCV002200462.6), dbSNP rs533186378, ClinGen allele CA9949462.

ClinVar aggregate classification (germline): Conflicting classifications of pathogenicity. Review status: criteria provided, conflicting classifications (1 of 4 stars). 3 submissions from 3 submitters: Uncertain significance (1); Likely benign (2). Last evaluated 2026-09-21.

Conditions:
COL9A3-related disorder. Also called: COL9A3-related condition.

Allele frequency attached by ClinVar (database versions not stated): TOPMed below 0.00001; gnomAD 0.00001; gnomAD exomes 0.00003; 1000 Genomes Project 30x 0.00016; ExAC 0.00017; 1000 Genomes Project 0.00020.
gnomAD v4.1: 35 of 1,550,236 alleles (0.0023%); highest among the groups gnomAD compares: Middle Eastern, 0.035%; no homozygotes.

Submissions (3):

PreventionGenetics, part of Exact Sciences
Classification: Likely benign for COL9A3-related condition. Last evaluated: 2026-09-21. Review status: criteria provided, single submitter. Criteria: ACMG Guidelines, 2015. Collection method: clinical testing. Allele origin: germline.
Comment: This variant is classified as likely benign based on ACMG/AMP sequence variant interpretation guidelines (Richards et al. 2015 PMID: 25741868, with internal and published modifications).

Labcorp Genetics (formerly Invitae), Labcorp
Classification: Uncertain significance. Last evaluated: 2025-06-23. Review status: criteria provided, single submitter. Criteria: Invitae Variant Classification Sherloc (09022015). Collection method: clinical testing. Allele origin: germline.
Comment: This sequence change affects codon 246 of the COL9A3 mRNA. It is a 'silent' change, meaning that it does not change the encoded amino acid sequence of the COL9A3 protein. This variant also falls at the last nucleotide of exon 14, which is part of the consensus splice site for this exon. The frequency data for this variant in the population databases is considered unreliable, as metrics indicate poor data quality at this position in the gnomAD database. This variant has not been reported in the literature in individuals affected with COL9A3-related conditions. ClinVar contains an entry for this variant (Variation ID: 2200462). Variants that disrupt the consensus splice site are a relatively common cause of aberrant splicing (PMID: 17576681, 9536098). Algorithms developed to predict the effect of sequence changes on RNA splicing suggest that this variant is not likely to affect RNA splicing. In summary, the available evidence is currently insufficient to determine the role of this variant in disease. Therefore, it has been classified as a Variant of Uncertain Significance.

Blueprint Genetics
Classification: Likely benign. Last evaluated: 2024-11-08. Review status: criteria provided, single submitter. Criteria: ACMG Guidelines, 2015. Collection method: clinical testing. Allele origin: germline.

Literature cited by the submitters: PubMed 17576681 (cited by Labcorp Genetics (formerly Invitae), Labcorp); PubMed 9536098 (cited by Labcorp Genetics (formerly Invitae), Labcorp).